The following is an entry in ClinVar:

NM_006206.6(PDGFRA):c.1145T>C (p.Ile382Thr)

Gene: PDGFRA (platelet derived growth factor receptor alpha; plus strand). Cytogenetic location: 4q12.
Variant type: single nucleotide variant.
Coding change: c.1145T>C on transcript NM_006206.6 (MANE Select); coding-DNA position 1145, T replaced by C.
Protein change: p.Ile382Thr; replaces isoleucine 382 with threonine.
Molecular consequence: missense variant.
Genome position (GRCh38, 1-based): chr4:54,270,656, T>C. VCF-style: chr4-54270656-T-C. GRCh37 (hg19) VCF-style: chr4-55136823-T-C.
Other names: c.1145T>C, p.Ile382Thr (NM_001347827.2, NM_001347829.2); c.1220T>C, p.Ile407Thr (NM_001347828.2); c.1184T>C, p.Ile395Thr (NM_001347830.2); short protein forms I407T, I395T, I382T.
Identifiers: ClinVar variation 959300 (VCV000959300.11), dbSNP rs1369890012, ClinGen allele CA356891912.

ClinVar aggregate classification (germline): Uncertain significance. Review status: criteria provided, multiple submitters, no conflicts (2 of 4 stars). 2 submissions from 2 submitters: Uncertain significance (2). Last evaluated 2026-07-07.

Conditions:
Gastrointestinal stromal tumor. Also called: Gastrointestinal stromal tumor, somatic; Gastrointestinal stroma tumor. Identifiers: Orphanet 44890, MedGen C0238198, MeSH D046152, MONDO:0011719, OMIM 606764, HP:0100723.
Hereditary cancer-predisposing syndrome. Also called: Neoplastic Syndromes, Hereditary; Hereditary Cancer Syndrome; Tumor predisposition; Hereditary neoplastic syndrome. Identifiers: Orphanet 140162, MedGen C0027672, MeSH D009386, MONDO:0015356.

Allele frequency attached by ClinVar (database versions not stated): TOPMed below 0.00001.

Submissions (2):

Ambry Genetics
Classification: Uncertain significance for Hereditary cancer-predisposing syndrome. Last evaluated: 2026-07-07. Review status: criteria provided, single submitter. Criteria: Ambry Variant Classification Scheme 2023. Collection method: clinical testing. Allele origin: germline.
Comment: The p.I382T variant (also known as c.1145T>C), located in coding exon 7 of the PDGFRA gene, results from a T to C substitution at nucleotide position 1145. The isoleucine at codon 382 is replaced by threonine, an amino acid with similar properties. This amino acid position is conserved. In addition, this alteration is predicted to be deleterious by in silico analysis. Based on the available evidence, the clinical significance of this variant remains unclear.

Labcorp Genetics (formerly Invitae), Labcorp
Classification: Uncertain significance for Gastrointestinal stromal tumor. Last evaluated: 2019-07-24. Review status: criteria provided, single submitter. Criteria: Invitae Variant Classification Sherloc (09022015). Collection method: clinical testing. Allele origin: germline.
Comment: Algorithms developed to predict the effect of missense changes on protein structure and function are either unavailable or do not agree on the potential impact of this missense change (SIFT: "Tolerated"; PolyPhen-2: "Probably Damaging"; Align-GVGD: "Class C0"). In summary, the available evidence is currently insufficient to determine the role of this variant in disease. Therefore, it has been classified as a Variant of Uncertain Significance. This variant has not been reported in the literature in individuals with PDGFRA-related conditions. This variant is not present in population databases (ExAC no frequency). This sequence change replaces isoleucine with threonine at codon 382 of the PDGFRA protein (p.Ile382Thr). The isoleucine residue is highly conserved and there is a moderate physicochemical difference between isoleucine and threonine.